The following is an entry in ClinVar:

ClinVar aggregate classification (germline): Uncertain significance (1 of 4 stars; one submission).

Conditions:
Mowat-Wilson syndrome (MOWS). Also called: Classic Mowat-Wilson Syndrome. Identifiers: Orphanet 2152, MedGen C1856113, MONDO:0009341, OMIM 235730.

gnomAD v4.1: 3 of 1,613,786 alleles (0.00019%); highest among the groups gnomAD compares: African/African-American, 0.004%; no homozygotes.

Submission:

Labcorp Genetics (formerly Invitae), Labcorp
Classification: Uncertain significance for Mowat-Wilson syndrome. Last evaluated: 2025-09-26. Review status: criteria provided, single submitter. Criteria: Invitae Variant Classification Sherloc (09022015). Collection method: clinical testing. Allele origin: germline.
Comment: This sequence change replaces leucine, which is neutral and non-polar, with serine, which is neutral and polar, at codon 79 of the ZEB2 protein (p.Leu79Ser). This variant is present in population databases (no rsID available, gnomAD 0.007%). This variant has not been reported in the literature in individuals affected with ZEB2-related conditions. An algorithm developed to predict the effect of missense changes on protein structure and function (PolyPhen-2) suggests that this variant is likely to be disruptive. In summary, the available evidence is currently insufficient to determine the role of this variant in disease. Therefore, it has been classified as a Variant of Uncertain Significance.

NM_014795.4(ZEB2):c.236T>C (p.Leu79Ser)

Gene: ZEB2 (zinc finger E-box binding homeobox 2; minus strand). Cytogenetic location: 2q22.3.
Variant type: single nucleotide variant.
Coding change: c.236T>C on transcript NM_014795.4 (MANE Select); coding-DNA position 236, T replaced by C.
Protein change: p.Leu79Ser; replaces leucine 79 with serine.
Molecular consequence: missense variant.
Genome position (GRCh38, 1-based): chr2:144,429,864, A>G on the plus strand (T>C on the coding strand, the complement: ZEB2 is on the minus strand). VCF-style: chr2-144429864-A-G. GRCh37 (hg19) VCF-style: chr2-145187431-A-G.
Other names: c.236T>C, p.Leu79Ser (NM_001171653.2); short protein forms L79S.
Identifiers: ClinVar variation 4771065 (VCV004771065.1).